The following is an entry in ClinVar:

NM_017755.6(NSUN2):c.1082T>A (p.Ile361Asn)

Gene: NSUN2 (NOP2/Sun RNA methyltransferase 2; minus strand). Cytogenetic location: 5p15.31.
Variant type: single nucleotide variant.
Coding change: c.1082T>A on transcript NM_017755.6 (MANE Select); coding-DNA position 1082, T replaced by A.
Protein change: p.Ile361Asn; replaces isoleucine 361 with asparagine.
Molecular consequence: missense variant. On other transcripts: non-coding transcript variant (1).
Genome position (GRCh38, 1-based): chr5:6,611,738, A>T on the plus strand (T>A on the coding strand, the complement: NSUN2 is on the minus strand). VCF-style: chr5-6611738-A-T. GRCh37 (hg19) VCF-style: chr5-6611851-A-T.
Other names: c.977T>A, p.Ile326Asn (NM_001193455.2); short protein forms I361N, I326N.
Identifiers: ClinVar variation 589552 (VCV000589552.5), dbSNP rs1560976164, ClinGen allele CA359121923.

ClinVar aggregate classification (germline): Uncertain significance (1 of 4 stars; one submission).

Conditions:
Inborn genetic diseases. Identifiers: MedGen C0950123, MeSH D030342.

gnomAD v4.1: 1 of 1,614,130 alleles (0.000062%); no homozygotes.

Submission:

Ambry Genetics
Classification: Uncertain significance for Inborn genetic diseases. Last evaluated: 2017-02-22. Review status: criteria provided, single submitter. Criteria: Ambry Variant Classification Scheme 2023. Collection method: clinical testing. Allele origin: germline.
Comment: The p.I361N variant (also known as c.1082T>A), located in coding exon 10 of the NSUN2 gene, results from a T to A substitution at nucleotide position 1082. The isoleucine at codon 361 is replaced by asparagine, an amino acid with dissimilar properties. This amino acid position is not well conserved in available vertebrate species. In addition, this alteration is predicted to be tolerated by in silico analysis. Since supporting evidence is limited at this time, the clinical significance of this alteration remains unclear.